The following is an entry in ClinVar:

NM_014633.5(CTR9):c.190T>G (p.Leu64Val)

Gene: CTR9 (CTR9 component of Paf1/RNA polymerase II complex; plus strand). Cytogenetic location: 11p15.4.
Variant type: single nucleotide variant.
Coding change: c.190T>G on transcript NM_014633.5 (MANE Select); coding-DNA position 190, T replaced by G.
Protein change: p.Leu64Val; replaces leucine 64 with valine.
Molecular consequence: missense variant.
Genome position (GRCh38, 1-based): chr11:10,755,003, T>G. VCF-style: chr11-10755003-T-G. GRCh37 (hg19) VCF-style: chr11-10776550-T-G.
Other names: c.190T>G, p.Leu64Val (NM_001346279.2); short protein forms L64V.
Identifiers: ClinVar variation 2836196 (VCV002836196.3), dbSNP rs113397377, ClinGen allele CA379658611.
Genomic context (GRCh38, chr11:10,755,003, plus strand): 5'-TTCATTACCTTATAGCTGGAATACTACAAGCAAGGAAAAACAGAAGAGTTTGTAAAATTG[T>G]TGGAAGCAGCACGTATAGATGGCAATTTGGACTATAGAGACCATGAAAAAGACCAGATGA-3'
Protein context (NP_055448.1, residues 54-74): QGKTEEFVKL[Leu64Val]EAARIDGNLD

ClinVar aggregate classification (germline): Uncertain significance (1 of 4 stars; one submission).

Submission:

Labcorp Genetics (formerly Invitae), Labcorp
Classification: Uncertain significance. Last evaluated: 2023-02-11. Review status: criteria provided, single submitter. Criteria: Invitae Variant Classification Sherloc (09022015). Collection method: clinical testing. Allele origin: germline.
Comment: Algorithms developed to predict the effect of missense changes on protein structure and function are either unavailable or do not agree on the potential impact of this missense change (SIFT: "Deleterious"; PolyPhen-2: "Benign"; Align-GVGD: "Class C15"). This sequence change replaces leucine, which is neutral and non-polar, with valine, which is neutral and non-polar, at codon 64 of the CTR9 protein (p.Leu64Val). This variant is not present in population databases (gnomAD no frequency). This variant has not been reported in the literature in individuals affected with CTR9-related conditions. In summary, the available evidence is currently insufficient to determine the role of this variant in disease. Therefore, it has been classified as a Variant of Uncertain Significance.